The following is an entry in ClinVar:

ClinVar aggregate classification (germline): Uncertain significance (0 of 4 stars; one submission).

Conditions:
ITGA2B-related disorder. Also called: ITGA2B-related disorders; ITGA2B-related condition.

Allele frequency attached by ClinVar (database versions not stated): gnomAD exomes 0.00001.

Submission:

PreventionGenetics, part of Exact Sciences
Classification: Uncertain significance for ITGA2B-related condition. Last evaluated: 2024-02-12. Review status: no assertion criteria provided. Collection method: clinical testing. Allele origin: germline.
Comment: The ITGA2B c.2581C>T variant is predicted to result in the amino acid substitution p.Pro861Ser. To our knowledge, this variant has not been reported in the literature or in a large population database, indicating this variant is rare. At this time, the clinical significance of this variant is uncertain due to the absence of conclusive functional and genetic evidence.

NM_000419.5(ITGA2B):c.2581C>T (p.Pro861Ser)

Gene: ITGA2B (integrin subunit alpha 2b; minus strand). Cytogenetic location: 17q21.31.
Variant type: single nucleotide variant.
Coding change: c.2581C>T on transcript NM_000419.5 (MANE Select); coding-DNA position 2581, C replaced by T.
Protein change: p.Pro861Ser; replaces proline 861 with serine.
Molecular consequence: missense variant.
Genome position (GRCh38, 1-based): chr17:44,375,853, G>A on the plus strand (C>T on the coding strand, the complement: ITGA2B is on the minus strand). VCF-style: chr17-44375853-G-A. GRCh37 (hg19) VCF-style: chr17-42453221-G-A.
Other names: short protein forms P861S.
Identifiers: ClinVar variation 3061298 (VCV003061298.2), dbSNP rs2510074529, ClinGen allele CA399794307.